The following is an entry in ClinVar:

NM_001077446.4(TSEN34):c.*29G>A

Gene: TSEN34 (tRNA splicing endonuclease subunit 34; plus strand). Cytogenetic location: 19q13.42.
Variant type: single nucleotide variant.
Coding change: c.*29G>A on transcript NM_001077446.4 (MANE Select); 29 bases downstream of the stop codon, G replaced by A.
Molecular consequence: 3 prime UTR variant. On other transcripts: intron variant (1).
Genome position (GRCh38, 1-based): chr19:54,193,391, G>A. VCF-style: chr19-54193391-G-A. GRCh37 (hg19) VCF-style: chr19-54697246-G-A.
Other names: c.*29G>A (NM_001282332.2, NM_001386740.1, NM_024075.5); c.889+73G>A (NM_001282333.2).
Identifiers: ClinVar variation 261679 (VCV000261679.8), dbSNP rs2289145, ClinGen allele CA309376533.

ClinVar aggregate classification (germline): Benign. Review status: criteria provided, multiple submitters, no conflicts (2 of 4 stars). 4 submissions from 4 submitters: Benign (4). Last evaluated 2018-07-06.

Conditions:
Pontoneocerebellar hypoplasia. Also called: Pontocerebellar hypoplasia; Non-syndromic pontocerebellar hypoplasia. Identifiers: Orphanet 98523, MedGen C1261175, MONDO:0020135.

Allele frequency attached by ClinVar (database versions not stated): 1000 Genomes Project 30x 0.04435; ESP Exome Variant Server 0.01804; TOPMed 0.02583; ExAC 0.02110; gnomAD 0.02347 and 0.02371; gnomAD exomes 0.02108; 1000 Genomes Project 0.04513.
gnomAD v4.1: 16,147 of 1,613,706 alleles (1%); highest among the groups gnomAD compares: East Asian, 15%; 737 homozygotes.

Submissions (4):

GeneDx
Classification: Benign. Last evaluated: 2018-07-06. Review status: criteria provided, single submitter. Criteria: GeneDx Variant Classification Process June 2021. Collection method: clinical testing. Allele origin: germline. Affected: yes.

Illumina Laboratory Services, Illumina
Classification: Benign for Pontoneocerebellar hypoplasia. Last evaluated: 2018-01-12. Review status: criteria provided, single submitter. Criteria: ICSL Variant Classification Criteria 13 December 2019. Collection method: clinical testing. Allele origin: germline.
Comment: This variant was observed in the ICSL laboratory as part of a predisposition screen in an ostensibly healthy population. It had not been previously curated by ICSL or reported in the Human Gene Mutation Database (HGMD: prior to June 1st, 2018), and was therefore a candidate for classification through an automated scoring system. Utilizing variant allele frequency, disease prevalence and penetrance estimates, and inheritance mode, an automated score was calculated to assess if this variant is too frequent to cause the disease. Based on the score and internal cut-off values, a variant classified as benign is not then subjected to further curation. The score for this variant resulted in a classification of benign for this disease.

Breakthrough Genomics
Classification: Benign. Review status: criteria provided, single submitter. Criteria: ACMG Guidelines, 2015. Collection method: not provided. Allele origin: germline. Inheritance: Autosomal recessive inheritance. Affected: yes.

PreventionGenetics, part of Exact Sciences
Classification: Benign. Review status: criteria provided, single submitter. Criteria: ACMG Guidelines, 2015. Collection method: clinical testing. Allele origin: germline.